The following is an entry in ClinVar:

ClinVar aggregate classification (germline): Uncertain significance (1 of 4 stars; one submission).

Conditions:
Dilated cardiomyopathy 1O (CMD1O). Also called: CARDIOMYOPATHY, DILATED, WITH VENTRICULAR TACHYCARDIA. Identifiers: Orphanet 154, MedGen C1837839, MONDO:0012062, OMIM 608569.

Allele frequency attached by ClinVar (database versions not stated): gnomAD exomes below 0.00001 and 0.00001; TOPMed 0.00002; gnomAD 0.00005.
gnomAD v4.1: 15 of 1,611,140 alleles (0.00093%); highest among the groups gnomAD compares: African/African-American, 0.004%; no homozygotes.

Submission:

Labcorp Genetics (formerly Invitae), Labcorp
Classification: Uncertain significance for Dilated cardiomyopathy 1O. Last evaluated: 2026-01-13. Review status: criteria provided, single submitter. Criteria: Invitae Variant Classification Sherloc (09022015). Collection method: clinical testing. Allele origin: germline.
Comment: This sequence change replaces serine, which is neutral and polar, with leucine, which is neutral and non-polar, at codon 12 of the ABCC9 protein (p.Ser12Leu). This variant is present in population databases (rs766371743, gnomAD 0.01%). This variant has not been reported in the literature in individuals affected with ABCC9-related conditions. ClinVar contains an entry for this variant (Variation ID: 1424529). Invitae Evidence Modeling of protein sequence and biophysical properties (such as structural, functional, and spatial information, amino acid conservation, physicochemical variation, residue mobility, and thermodynamic stability) indicates that this missense variant is not expected to disrupt ABCC9 protein function with a negative predictive value of 95%. In summary, the available evidence is currently insufficient to determine the role of this variant in disease. Therefore, it has been classified as a Variant of Uncertain Significance.

NM_020297.4(ABCC9):c.35C>T (p.Ser12Leu)

Gene: ABCC9 (ATP binding cassette subfamily C member 9; minus strand). Cytogenetic location: 12p12.1.
Variant type: single nucleotide variant.
Coding change: c.35C>T on transcript NM_020297.4 (MANE Select); coding-DNA position 35, C replaced by T.
Protein change: p.Ser12Leu; replaces serine 12 with leucine.
Molecular consequence: missense variant. On other transcripts: 5 prime UTR variant (1).
Genome position (GRCh38, 1-based): chr12:21,936,640, G>A on the plus strand (C>T on the coding strand, the complement: ABCC9 is on the minus strand). VCF-style: chr12-21936640-G-A. GRCh37 (hg19) VCF-style: chr12-22089574-G-A.
Other names: c.35C>T, p.Ser12Leu (NM_001377273.1, NM_005691.4); c.-420C>T (NM_001377274.1); short protein forms S12L.
Identifiers: ClinVar variation 1424529 (VCV001424529.6), dbSNP rs766371743, ClinGen allele CA233626956.